The following is an entry in ClinVar:

NM_020919.4(ALS2):c.1109C>T (p.Ser370Phe)

Gene: ALS2 (alsin Rho guanine nucleotide exchange factor ALS2; minus strand). Cytogenetic location: 2q33.1.
Variant type: single nucleotide variant.
Coding change: c.1109C>T on transcript NM_020919.4 (MANE Select); coding-DNA position 1109, C replaced by T.
Protein change: p.Ser370Phe; replaces serine 370 with phenylalanine.
Molecular consequence: missense variant.
Genome position (GRCh38, 1-based): chr2:201,760,885, G>A on the plus strand (C>T on the coding strand, the complement: ALS2 is on the minus strand). VCF-style: chr2-201760885-G-A. GRCh37 (hg19) VCF-style: chr2-202625608-G-A.
Other names: c.1109C>T, p.Ser370Phe (NM_001135745.2, NM_001410975.1); short protein forms S370F.
Identifiers: ClinVar variation 2662165 (VCV002662165.1), dbSNP rs1343472956, ClinGen allele CA350327405.

ClinVar aggregate classification (germline): Uncertain significance (1 of 4 stars; one submission).

Submission:

GeneDx
Classification: Uncertain significance. Last evaluated: 2023-04-04. Review status: criteria provided, single submitter. Criteria: GeneDx Variant Classification Process June 2021. Collection method: clinical testing. Allele origin: germline. Affected: yes.
Comment: Not observed at significant frequency in large population cohorts (gnomAD); In silico analysis supports that this missense variant does not alter protein structure/function; Has not been previously published as pathogenic or benign to our knowledge